The following is an entry in ClinVar:

NM_001875.5(CPS1):c.528+2T>C

Gene: CPS1 (carbamoyl-phosphate synthase 1; plus strand). Cytogenetic location: 2q34.
Variant type: single nucleotide variant.
Coding change: c.528+2T>C on transcript NM_001875.5 (MANE Select); the canonical splice donor site of the intron after coding-DNA position 528, T replaced by C.
Molecular consequence: splice donor variant.
Genome position (GRCh38, 1-based): chr2:210,579,772, T>C. VCF-style: chr2-210579772-T-C. GRCh37 (hg19) VCF-style: chr2-211444496-T-C.
Other names: c.528+2T>C (NM_001369257.1, NM_001122633.3); c.561+2T>C (NM_001369256.1).
Identifiers: ClinVar variation 656114 (VCV000656114.5), dbSNP rs1574548003, ClinGen allele CA350426021.

ClinVar aggregate classification (germline): Likely pathogenic. Review status: criteria provided, multiple submitters, no conflicts (2 of 4 stars). 3 submissions from 3 submitters: Likely pathogenic (2). 1 of the submissions does not count toward it. Last evaluated 2024-03-10.

Conditions:
Pulmonary hypertension, neonatal, susceptibility to (PHN). Identifiers: MedGen C3714958, MONDO:0014151, OMIM 615371.
Congenital hyperammonemia, type I. Also called: CPS I DEFICIENCY; Carbamoyl-phosphate synthase I deficiency; Carbamoyl phosphate synthetase 1 deficiency; Hyperammonemia due to carbamoyl phosphate synthetase 1 deficiency; CPS 1 deficiency; Carbamyl phosphate synthetase (CPS) deficiency. Identifiers: Orphanet 147, MedGen C4082171, MONDO:0009376, OMIM 237300.

Allele frequency attached by ClinVar (database versions not stated): gnomAD exomes below 0.00001.
gnomAD v4.1: 1 of 1,611,300 alleles (0.000062%); highest among the groups gnomAD compares: Non-Finnish European, 0.000085%; no homozygotes.

Submissions (3):

Baylor Genetics
Classification: Likely pathogenic for Pulmonary hypertension, neonatal, susceptibility to. Last evaluated: 2024-03-10. Review status: criteria provided, single submitter. Criteria: ACMG Guidelines, 2015. Collection method: clinical testing. Allele origin: unknown.

Labcorp Genetics (formerly Invitae), Labcorp
Classification: Likely pathogenic for Congenital hyperammonemia, type I. Last evaluated: 2018-12-10. Review status: criteria provided, single submitter. Criteria: Invitae Variant Classification Sherloc (09022015). Collection method: clinical testing. Allele origin: germline.
Comment: This sequence change affects a donor splice site in intron 5 of the CPS1 gene. It is expected to disrupt RNA splicing and likely results in an absent or disrupted protein product. This variant is not present in population databases (ExAC no frequency). This variant has not been reported in the literature in individuals with CPS1-related conditions. Algorithms developed to predict the effect of sequence changes on RNA splicing suggest that this variant may disrupt the consensus splice site, but this prediction has not been confirmed by published transcriptional studies. Donor and acceptor splice site variants typically lead to a loss of protein function (PMID: 16199547), and loss-of-function variants in CPS1 are known to be pathogenic (PMID: 21120950). In summary, the currently available evidence indicates that the variant is pathogenic, but additional data are needed to prove that conclusively. Therefore, this variant has been classified as Likely Pathogenic.

Natera, Inc.
Classification: Likely pathogenic for Carbamoyl-phosphate synthase I deficiency. Last evaluated: 2020-11-30. Review status: no assertion criteria provided. Collection method: clinical testing. Allele origin: germline. Not counted in ClinVar's aggregate classification.

Literature cited by the submitters: PubMed 21120950 (cited by Labcorp Genetics (formerly Invitae), Labcorp).